The following is an entry in ClinVar:

ClinVar aggregate classification (germline): Uncertain significance (1 of 4 stars; one submission).

Conditions:
Familial melanoma. Also called: Hereditary melanoma; Hereditary cutaneous melanoma. Identifiers: Orphanet 618, MedGen C1512419, MONDO:0018961.

Submission:

Labcorp Genetics (formerly Invitae), Labcorp
Classification: Uncertain significance for Familial melanoma. Last evaluated: 2024-02-18. Review status: criteria provided, single submitter. Criteria: Invitae Variant Classification Sherloc (09022015). Collection method: clinical testing. Allele origin: germline.
Comment: This sequence change replaces alanine, which is neutral and non-polar, with threonine, which is neutral and polar, at codon 10 of the CDK4 protein (p.Ala10Thr). This variant is not present in population databases (gnomAD no frequency). This variant has not been reported in the literature in individuals affected with CDK4-related conditions. ClinVar contains an entry for this variant (Variation ID: 961968). Advanced modeling of protein sequence and biophysical properties (such as structural, functional, and spatial information, amino acid conservation, physicochemical variation, residue mobility, and thermodynamic stability) performed at Invitae indicates that this missense variant is not expected to disrupt CDK4 protein function with a negative predictive value of 95%. In summary, the available evidence is currently insufficient to determine the role of this variant in disease. Therefore, it has been classified as a Variant of Uncertain Significance.

NM_000075.4(CDK4):c.28G>A (p.Ala10Thr)

Gene: CDK4 (cyclin dependent kinase 4; minus strand). Cytogenetic location: 12q14.1.
Variant type: single nucleotide variant.
Coding change: c.28G>A on transcript NM_000075.4 (MANE Select); coding-DNA position 28, G replaced by A.
Protein change: p.Ala10Thr; replaces alanine 10 with threonine.
Molecular consequence: missense variant.
Genome position (GRCh38, 1-based): chr12:57,751,690, C>T on the plus strand (G>A on the coding strand, the complement: CDK4 is on the minus strand). VCF-style: chr12-57751690-C-T. GRCh37 (hg19) VCF-style: chr12-58145473-C-T.
Other names: short protein forms A10T.
Identifiers: ClinVar variation 961968 (VCV000961968.9), dbSNP rs1955239777, ClinGen allele CA385549215.
Genomic context (GRCh38, chr12:57,751,690, plus strand): 5'-GGCCACTGTGGGGATCACGGGCCTTGTACACTGTCCCATAGGCACCGACACCAATTTCAG[C>T]CACTGGCTCATATCGAGAGGTAGCCATTCTCAGATCAAGGGAGACCCTACAATCACAGAC-3'
Protein context (NP_000066.1, residues 1-20): MATSRYEPV[Ala10Thr]EIGVGAYGTV